The following is an entry in ClinVar:

NM_013266.4(CTNNA3):c.1477C>G (p.Leu493Val)

Gene: CTNNA3 (catenin alpha 3; minus strand). Cytogenetic location: 10q21.3.
Variant type: single nucleotide variant.
Coding change: c.1477C>G on transcript NM_013266.4 (MANE Select); coding-DNA position 1477, C replaced by G.
Protein change: p.Leu493Val; replaces leucine 493 with valine.
Molecular consequence: missense variant.
Genome position (GRCh38, 1-based): chr10:66,520,671, G>C on the plus strand (C>G on the coding strand, the complement: CTNNA3 is on the minus strand). VCF-style: chr10-66520671-G-C. GRCh37 (hg19) VCF-style: chr10-68280429-G-C.
Other names: c.1477C>G, p.Leu493Val (NM_001127384.3); short protein forms L493V.
Identifiers: ClinVar variation 3693712 (VCV003693712.2).

ClinVar aggregate classification (germline): Uncertain significance (1 of 4 stars; one submission).

Conditions:
Arrhythmogenic right ventricular dysplasia 13. Also called: ARRHYTHMOGENIC RIGHT VENTRICULAR CARDIOMYOPATHY 13; Arrhythmogenic right ventricular dysplasia, familial, 13. Identifiers: MedGen C3810138, MONDO:0000908, OMIM 615616.

gnomAD v4.1: 2 of 1,610,448 alleles (0.00012%); highest among the groups gnomAD compares: African/African-American, 0.0027%; no homozygotes.

Submission:

Labcorp Genetics (formerly Invitae), Labcorp
Classification: Uncertain significance for Arrhythmogenic right ventricular dysplasia 13. Last evaluated: 2025-01-13. Review status: criteria provided, single submitter. Criteria: Invitae Variant Classification Sherloc (09022015). Collection method: clinical testing. Allele origin: germline.
Comment: This sequence change replaces leucine, which is neutral and non-polar, with valine, which is neutral and non-polar, at codon 493 of the CTNNA3 protein (p.Leu493Val). This variant is present in population databases (rs759604856, gnomAD 0.007%). This variant has not been reported in the literature in individuals affected with CTNNA3-related conditions. Invitae Evidence Modeling of protein sequence and biophysical properties (such as structural, functional, and spatial information, amino acid conservation, physicochemical variation, residue mobility, and thermodynamic stability) has been performed for this missense variant. However, the output from this modeling did not meet the statistical confidence thresholds required to predict the impact of this variant on CTNNA3 protein function. In summary, the available evidence is currently insufficient to determine the role of this variant in disease. Therefore, it has been classified as a Variant of Uncertain Significance.